The following is an entry in ClinVar:

NM_006506.5(RASA2):c.554_555del (p.Leu185fs)

Gene: RASA2 (RAS p21 protein activator 2; plus strand). Cytogenetic location: 3q23.
Variant type: Microsatellite.
Coding change: c.554_555del on transcript NM_006506.5 (MANE Select); coding-DNA positions 554 to 555, 2 bases deleted (TC; older notation c.554_555delTC).
Protein change: p.Leu185fs; shifts the reading frame from leucine 185.
Molecular consequence: frameshift variant.
Genome position (GRCh38, 1-based): chr3:141,553,883-141,553,884, TC deleted; deleting any 2 consecutive bases within chr3:141,553,880-141,553,884 gives the same sequence; the c. name uses the placement nearest the transcript's 3' end. VCF-style (leftmost placement, unchanged base first): chr3-141553879-CCT-C. GRCh37 (hg19) VCF-style: chr3-141272721-CCT-C.
Other names: c.554_555del, p.Leu185fs (NM_001303245.3, NM_001303246.3); short protein forms L185fs.
Identifiers: ClinVar variation 1348944 (VCV001348944.6), dbSNP rs2151113819, ClinGen allele CA2580615984.

ClinVar aggregate classification (germline): Uncertain significance (1 of 4 stars; one submission).

Submission:

Labcorp Genetics (formerly Invitae), Labcorp
Classification: Uncertain significance. Last evaluated: 2021-11-02. Review status: criteria provided, single submitter. Criteria: Invitae Variant Classification Sherloc (09022015). Collection method: clinical testing. Allele origin: germline.
Comment: In summary, the available evidence is currently insufficient to determine the role of this variant in disease. Therefore, it has been classified as a Variant of Uncertain Significance. This variant has not been reported in the literature in individuals affected with RASA2-related conditions. This variant is not present in population databases (gnomAD no frequency). This sequence change creates a premature translational stop signal (p.Leu185Hisfs*7) in the RASA2 gene. It is expected to result in an absent or disrupted protein product. However, the current clinical and genetic evidence is not sufficient to establish whether loss-of-function variants in RASA2 cause disease.